The following is an entry in ClinVar:

NM_000548.5(TSC2):c.342G>A (p.Glu114=)

Gene: TSC2 (TSC complex subunit 2; plus strand). Cytogenetic location: 16p13.3.
Variant type: single nucleotide variant.
Coding change: c.342G>A on transcript NM_000548.5 (MANE Select); coding-DNA position 342, G replaced by A.
Protein change: p.Glu114=; no amino-acid change (glutamic acid 114 retained).
Molecular consequence: synonymous variant. On other transcripts: 5 prime UTR variant (14), non-coding transcript variant (5), intron variant (6).
Genome position (GRCh38, 1-based): chr16:2,054,301, G>A. VCF-style: chr16-2054301-G-A. GRCh37 (hg19) VCF-style: chr16-2104302-G-A.
Other names: c.342G>A, p.Glu114= (NM_001077183.3, NM_001363528.2, NM_001370404.1 and 8 more transcripts); c.195G>A, p.Glu65= (NM_001318829.2, NM_001406675.1, NM_001406676.1 and 1 more transcripts); c.375G>A, p.Glu125= (NM_001318832.2); c.231G>A, p.Glu77= (NM_001318827.2, NM_001406670.1, NM_001406678.1); c.432G>A, p.Glu144= (NM_001406667.1, NM_001406668.1); c.285G>A, p.Glu95= (NM_001406677.1); c.-475G>A (NM_001406680.1, NM_001406683.1, NM_001406687.1); c.-104G>A (NM_001406681.1); and 6 more.
Identifiers: ClinVar variation 4071260 (VCV004071260.1).

ClinVar aggregate classification (germline): Benign (1 of 4 stars; one submission).

Conditions:
Tuberous sclerosis 2 (TSC2). Identifiers: Orphanet 805, MedGen C1860707, MONDO:0013199, OMIM 613254.

Submission:

Myriad Genetics, Inc.
Classification: Benign for Tuberous sclerosis 2. Last evaluated: 2025-05-02. Review status: criteria provided, single submitter. Criteria: Myriad Autosomal Dominant, Autosomal Recessive and X-Linked Classification Criteria (2023). Collection method: clinical testing. Allele origin: unknown.
Comment: This variant is considered benign. This variant is a silent/synonymous amino acid change and it is not expected to impact splicing.